The following is an entry in ClinVar:

ClinVar aggregate classification (germline): Uncertain significance (1 of 4 stars; one submission).

Conditions:
Telangiectasia, hereditary hemorrhagic, type 5 (HHT5). Identifiers: Orphanet 774, MedGen C3809710, MONDO:0014217, OMIM 615506.

Allele frequency attached by ClinVar (database versions not stated): gnomAD exomes 0.00005; TOPMed 0.00025.

Submission:

Labcorp Genetics (formerly Invitae), Labcorp
Classification: Uncertain significance for Telangiectasia, hereditary hemorrhagic, type 5. Last evaluated: 2018-11-19. Review status: criteria provided, single submitter. Criteria: Invitae Variant Classification Sherloc (09022015). Collection method: clinical testing. Allele origin: germline.
Comment: This sequence change replaces arginine with histidine at codon 68 of the GDF2 protein (p.Arg68His). The arginine residue is moderately conserved and there is a small physicochemical difference between arginine and histidine. This variant is not present in population databases (ExAC no frequency). This variant has not been reported in the literature in individuals with GDF2-related disease. Algorithms developed to predict the effect of missense changes on protein structure and function output the following: SIFT: "Tolerated"; PolyPhen-2: "Benign"; Align-GVGD: "Class C0". The histidine amino acid residue is found in multiple mammalian species, suggesting that this missense change does not adversely affect protein function. These predictions have not been confirmed by published functional studies and their clinical significance is uncertain. In summary, the available evidence is currently insufficient to determine the role of this variant in disease. Therefore, it has been classified as a Variant of Uncertain Significance.

NM_016204.4(GDF2):c.203G>A (p.Arg68His)

Gene: GDF2 (growth differentiation factor 2; plus strand). Cytogenetic location: 10q11.22.
Variant type: single nucleotide variant.
Coding change: c.203G>A on transcript NM_016204.4 (MANE Select); coding-DNA position 203, G replaced by A.
Protein change: p.Arg68His; replaces arginine 68 with histidine.
Molecular consequence: missense variant.
Genome position (GRCh38, 1-based): chr10:47,322,871, G>A. VCF-style: chr10-47322871-G-A. GRCh37 (hg19) VCF-style: chr10-48416491-C-T.
Other names: short protein forms R68H.
Identifiers: ClinVar variation 646500 (VCV000646500.1), dbSNP rs200330818, ClinGen allele CA206438112.